The following is an entry in ClinVar:

NM_022124.6(CDH23):c.6085C>A (p.Arg2029=)

Gene: CDH23 (cadherin related 23; plus strand). Cytogenetic location: 10q22.1.
Variant type: single nucleotide variant.
Coding change: c.6085C>A on transcript NM_022124.6 (MANE Select); coding-DNA position 6085, C replaced by A.
Protein change: p.Arg2029=; no amino-acid change (arginine 2029 retained).
Molecular consequence: synonymous variant.
Genome position (GRCh38, 1-based): chr10:71,791,167, C>A. VCF-style: chr10-71791167-C-A. GRCh37 (hg19) VCF-style: chr10-73550924-C-A.
Identifiers: ClinVar variation 1412409 (VCV001412409.5), dbSNP rs750880909, ClinGen allele CA2541155957.

ClinVar aggregate classification (germline): Uncertain significance (1 of 4 stars; one submission).

Submission:

Labcorp Genetics (formerly Invitae), Labcorp
Classification: Uncertain significance. Last evaluated: 2024-02-24. Review status: criteria provided, single submitter. Criteria: Invitae Variant Classification Sherloc (09022015). Collection method: clinical testing. Allele origin: germline.
Comment: This sequence change affects codon 2029 of the CDH23 mRNA. It is a 'silent' change, meaning that it does not change the encoded amino acid sequence of the CDH23 protein. This variant is not present in population databases (gnomAD no frequency). This variant has not been reported in the literature in individuals affected with CDH23-related conditions. ClinVar contains an entry for this variant (Variation ID: 1412409). Algorithms developed to predict the effect of sequence changes on RNA splicing suggest that this variant may disrupt the consensus splice site. In summary, the available evidence is currently insufficient to determine the role of this variant in disease. Therefore, it has been classified as a Variant of Uncertain Significance.